The following is an entry in ClinVar:

ClinVar aggregate classification (germline): Likely benign. Review status: criteria provided, multiple submitters, no conflicts (2 of 4 stars). 2 submissions from 2 submitters: Likely benign (2). Last evaluated 2018-07-09.

Conditions:
Cardiomyopathy (CMYO). Also called: Cardiomyopathies. Identifiers: Orphanet 167848, MedGen C0878544, MONDO:0004994, HP:0001638. Inheritance: Various modes of inheritance.

Submissions (2):

Color Diagnostics, LLC DBA Color Health
Classification: Likely benign for Cardiomyopathy. Last evaluated: 2018-07-09. Review status: criteria provided, single submitter. Criteria: ACMG Guidelines, 2015. Collection method: clinical testing. Allele origin: germline.

GeneDx
Classification: Likely benign. Last evaluated: 2017-10-18. Review status: criteria provided, single submitter. Criteria: GeneDx Variant Classification (06012015). Collection method: clinical testing. Allele origin: germline. Affected: yes.
Comment: This variant is considered likely benign or benign based on one or more of the following criteria: it is a conservative change, it occurs at a poorly conserved position in the protein, it is predicted to be benign by multiple in silico algorithms, and/or has population frequency not consistent with disease.

NM_024334.3(TMEM43):c.1164T>G (p.Leu388=)

Gene: TMEM43 (transmembrane protein 43; plus strand). Cytogenetic location: 3p25.1.
Variant type: single nucleotide variant.
Coding change: c.1164T>G on transcript NM_024334.3 (MANE Select); coding-DNA position 1164, T replaced by G.
Protein change: p.Leu388=; no amino-acid change (leucine 388 retained).
Molecular consequence: synonymous variant.
Genome position (GRCh38, 1-based): chr3:14,141,756, T>G. VCF-style: chr3-14141756-T-G. GRCh37 (hg19) VCF-style: chr3-14183256-T-G.
Identifiers: ClinVar variation 512832 (VCV000512832.3), dbSNP rs1035334505, ClinGen allele CA432553076.